The following is an entry in ClinVar:

ClinVar aggregate classification (germline): Likely benign (1 of 4 stars; one submission).

Conditions:
Loeys-Dietz syndrome (LDS). Identifiers: Orphanet 60030, MedGen C2697932, MONDO:0018954.

Submission:

All of Us Research Program, National Institutes of Health
Classification: Likely benign for Loeys-Dietz syndrome. Last evaluated: 2023-06-26. Review status: criteria provided, single submitter. Criteria: ACMG Guidelines, 2015. Collection method: clinical testing. Allele origin: germline. Inheritance: Autosomal dominant inheritance. Observed: 1 variant allele, 1 heterozygote.
Comment: This study involves interpretation of variants in research participants for the purpose of population health screening. Participant phenotype was not available at the time of variant classification. Additional details can be found in publication PMID: 35346344, PMCID: PMC8962531

NM_004612.4(TGFBR1):c.1387-15T>C

Gene: TGFBR1 (transforming growth factor beta receptor 1; plus strand). Cytogenetic location: 9q22.33.
Variant type: single nucleotide variant.
Coding change: c.1387-15T>C on transcript NM_004612.4 (MANE Select); 15 bases into the intron before coding-DNA position 1387, T replaced by C.
Molecular consequence: intron variant.
Genome position (GRCh38, 1-based): chr9:99,149,165, T>C. VCF-style: chr9-99149165-T-C. GRCh37 (hg19) VCF-style: chr9-101911447-T-C.
Other names: c.1192-15T>C (NM_001407418.1, NM_001407419.1, NM_001407422.1 and 1 more transcripts); c.1180-15T>C (NM_001407423.1, NM_001407424.1, NM_001407425.1 and 8 more transcripts); c.1399-15T>C (NM_001306210.2); c.1231-15T>C (NM_001407416.1); c.1219-15T>C (NM_001407417.1); c.1156-15T>C (NM_001407435.1, NM_001130916.3); c.1141-15T>C (NM_001407436.1); c.910-15T>C (NM_001407438.1); and 1 more.
Identifiers: ClinVar variation 3072239 (VCV003072239.1), dbSNP rs200789509, ClinGen allele CA1867266841.